The following is an entry in ClinVar:

NM_020975.6(RET):c.1264-8C>T

Gene: RET (ret proto-oncogene; plus strand). Cytogenetic location: 10q11.21.
Variant type: single nucleotide variant.
Coding change: c.1264-8C>T on transcript NM_020975.6 (MANE Select); 8 bases into the intron before coding-DNA position 1264, C replaced by T.
Molecular consequence: intron variant.
Genome position (GRCh38, 1-based): chr10:43,111,199, C>T. VCF-style: chr10-43111199-C-T. GRCh37 (hg19) VCF-style: chr10-43606647-C-T.
Other names: c.1264-8C>T (NM_020630.7, NM_001406743.1, NM_001406744.1 and 4 more transcripts); c.868-8C>T (NM_001406772.1, NM_001406769.1); c.826-8C>T (NM_001406773.1, NM_001406771.1); c.626-900C>T (NM_001406782.1, NM_001406780.1, NM_001406779.1 and 3 more transcripts); c.1135-8C>T (NM_001406764.1, NM_001406762.1, NM_001406761.1 and 1 more transcripts); c.739-8C>T (NM_001406774.1); c.497-900C>T (NM_001406786.1, NM_001406783.1); c.976-8C>T (NM_001406770.1, NM_001406766.1, NM_001406767.1); and 5 more.
Identifiers: ClinVar variation 477310 (VCV000477310.32), dbSNP rs769595884, ClinGen allele CA593289956.

ClinVar aggregate classification (germline): Conflicting classifications of pathogenicity. Review status: criteria provided, conflicting classifications (1 of 4 stars). 8 submissions from 5 submitters: Uncertain significance (4); Likely benign (3). 1 of the submissions does not count toward it. Last evaluated 2025-12-17.

Conditions:
Multiple endocrine neoplasia. Identifiers: Orphanet 276161, MedGen C0027662, MONDO:0017169.
RET-related disorder. Also called: RET-related disorders; RET-related condition; RET-related disease.
Pheochromocytoma. Also called: MAX-Related Hereditary Paraganglioma-Pheochromocytoma Syndrome. Identifiers: Orphanet 29072, MedGen C0031511, MONDO:0008233, OMIM 171300, HP:0002666.
Renal hypodysplasia/aplasia 1 (RHDA1). Also called: RENAL APLASIA; HEREDITARY RENAL APLASIA. Identifiers: Orphanet 411709, MedGen C1619700, MONDO:0024519, OMIM 191830.
Hirschsprung disease, susceptibility to, 1 (HSCR1). Also called: RET-Related Hirschsprung Disease. Identifiers: Orphanet 388, MedGen C3888239, MONDO:0007723, OMIM 142623.
Multiple endocrine neoplasia, type 2 (MEN2). Identifiers: Orphanet 653, MedGen C4048306, MONDO:0019003. Disease mechanism: gain of function.

Allele frequency attached by ClinVar (database versions not stated): gnomAD 0.00001; TOPMed 0.00002.

Submissions (8):

Labcorp Genetics (formerly Invitae), Labcorp
Classification: Likely benign for Multiple endocrine neoplasia, type 2. Last evaluated: 2025-12-17. Review status: criteria provided, single submitter. Criteria: Invitae Variant Classification Sherloc (09022015). Collection method: clinical testing. Allele origin: germline.

Quest Diagnostics Nichols Institute San Juan Capistrano
Classification: Likely benign. Last evaluated: 2025-07-14. Review status: criteria provided, single submitter. Criteria: Quest Diagnostics criteria. Collection method: clinical testing. Allele origin: unknown.

Color Diagnostics, LLC DBA Color Health
Classification: Likely benign for Multiple endocrine neoplasia, type 2. Last evaluated: 2022-11-28. Review status: criteria provided, single submitter. Criteria: ACMG Guidelines, 2015. Collection method: clinical testing. Allele origin: germline.

Illumina Laboratory Services, Illumina
Classification: Uncertain significance for Renal hypodysplasia/aplasia 1. Last evaluated: 2018-01-13. Review status: criteria provided, single submitter. Criteria: ICSL Variant Classification Criteria 13 December 2019. Collection method: clinical testing. Allele origin: germline.

Illumina Laboratory Services, Illumina
Classification: Uncertain significance for Pheochromocytoma. Last evaluated: 2018-01-13. Review status: criteria provided, single submitter. Criteria: ICSL Variant Classification Criteria 13 December 2019. Collection method: clinical testing. Allele origin: germline.

Illumina Laboratory Services, Illumina
Classification: Uncertain significance for Multiple endocrine neoplasia. Last evaluated: 2018-01-13. Review status: criteria provided, single submitter. Criteria: ICSL Variant Classification Criteria 13 December 2019. Collection method: clinical testing. Allele origin: germline.

Illumina Laboratory Services, Illumina
Classification: Uncertain significance for Hirschsprung disease, susceptibility to, 1. Last evaluated: 2018-01-13. Review status: criteria provided, single submitter. Criteria: ICSL Variant Classification Criteria 13 December 2019. Collection method: clinical testing. Allele origin: germline.

PreventionGenetics, part of Exact Sciences
Classification: Likely benign for RET-related condition. Last evaluated: 2020-06-08. Review status: no assertion criteria provided. Collection method: clinical testing. Allele origin: germline. Not counted in ClinVar's aggregate classification.
Comment: This variant is classified as likely benign based on ACMG/AMP sequence variant interpretation guidelines (Richards et al. 2015 PMID: 25741868, with internal and published modifications).